The following is an entry in ClinVar:

ClinVar aggregate classification (germline): Uncertain significance (1 of 4 stars; one submission).

Conditions:
ALMS1-related disorder. Also called: ALMS1-related condition.

Submission:

PreventionGenetics, part of Exact Sciences
Classification: Uncertain significance for ALMS1-related condition. Last evaluated: 2026-09-11. Review status: criteria provided, single submitter. Criteria: ACMG Guidelines, 2015. Collection method: clinical testing. Allele origin: germline.
Comment: The ALMS1 c.250C>T variant is predicted to result in the amino acid substitution p.Pro84Ser. To our knowledge, this variant has not been reported in the literature or in a large population database (gnomAD), indicating this variant is rare. At this time, the clinical significance of this variant is uncertain due to the absence of conclusive functional and genetic evidence.

NM_001378454.1(ALMS1):c.247C>T (p.His83Tyr)

Gene: ALMS1 (ALMS1 centrosome and basal body associated protein; plus strand). Cytogenetic location: 2p13.1.
Variant type: single nucleotide variant.
Coding change: c.247C>T on transcript NM_001378454.1 (MANE Select); coding-DNA position 247, C replaced by T.
Protein change: p.His83Tyr; replaces histidine 83 with tyrosine.
Molecular consequence: missense variant.
Genome position (GRCh38, 1-based): chr2:73,386,115, C>T. VCF-style: chr2-73386115-C-T. GRCh37 (hg19) VCF-style: chr2-73613243-C-T.
Other names: c.250C>T, p.His84Tyr (NM_015120.4); short protein forms H83Y, H84Y.
Identifiers: ClinVar variation 4989913 (VCV004989913.1).